The following is an entry in ClinVar:

NM_004082.5(DCTN1):c.2285T>C (p.Val762Ala)

Gene: DCTN1 (dynactin subunit 1; minus strand). Cytogenetic location: 2p13.1.
Variant type: single nucleotide variant.
Coding change: c.2285T>C on transcript NM_004082.5 (MANE Select); coding-DNA position 2285, T replaced by C.
Protein change: p.Val762Ala; replaces valine 762 with alanine.
Molecular consequence: missense variant. On other transcripts: non-coding transcript variant (1).
Genome position (GRCh38, 1-based): chr2:74,367,076, A>G on the plus strand (T>C on the coding strand, the complement: DCTN1 is on the minus strand). VCF-style: chr2-74367076-A-G. GRCh37 (hg19) VCF-style: chr2-74594203-A-G.
Other names: c.2225T>C, p.Val742Ala (NM_001135040.3); c.1883T>C, p.Val628Ala (NM_001135041.3, NM_023019.4); c.2174T>C, p.Val725Ala (NM_001190836.2); c.2264T>C, p.Val755Ala (NM_001190837.2); c.2234T>C, p.Val745Ala (NM_001378991.1); c.2216T>C, p.Val739Ala (NM_001378992.1); short protein forms V628A, V725A, V739A, V742A, V745A, V755A, V762A.
Identifiers: ClinVar variation 3756053 (VCV003756053.2).

ClinVar aggregate classification (germline): Uncertain significance (1 of 4 stars; one submission).

Conditions:
Amyotrophic lateral sclerosis type 1 (ALS1). Also called: AMYOTROPHIC LATERAL SCLEROSIS 1, FAMILIAL. Identifiers: Orphanet 803, MedGen C1862939, MONDO:0007103, OMIM 105400.
Neuronopathy, distal hereditary motor, type 7B. Also called: HMN VIIB; LOWER MOTOR NEURON DISEASE, DYNACTIN TYPE; NEURONOPATHY, DISTAL HEREDITARY MOTOR, AUTOSOMAL DOMINANT 14; NEURONOPATHY, DISTAL HEREDITARY MOTOR, HARDING TYPE VIIB; NEUROPATHY, DISTAL HEREDITARY MOTOR, HARDING TYPE VIIB; NEUROPATHY, DISTAL HEREDITARY MOTOR, WITH VOCAL CORD PARALYSIS, HARDING TYPE VIIB. Identifiers: Orphanet 139589, MedGen C1843315, MONDO:0011879, OMIM 607641.
Perry syndrome. Also called: PARKINSONISM WITH ALVEOLAR HYPOVENTILATION AND MENTAL DEPRESSION. Identifiers: Orphanet 178509, MedGen C1868594, MONDO:0008201, OMIM 168605.

Submission:

Labcorp Genetics (formerly Invitae), Labcorp
Classification: Uncertain significance for Amyotrophic lateral sclerosis type 1; Neuronopathy, distal hereditary motor, type 7B; Perry syndrome. Last evaluated: 2024-10-02. Review status: criteria provided, single submitter. Criteria: Invitae Variant Classification Sherloc (09022015). Collection method: clinical testing. Allele origin: germline.
Comment: This sequence change replaces valine, which is neutral and non-polar, with alanine, which is neutral and non-polar, at codon 762 of the DCTN1 protein (p.Val762Ala). This variant is not present in population databases (gnomAD no frequency). This variant has not been reported in the literature in individuals affected with DCTN1-related conditions. Invitae Evidence Modeling of protein sequence and biophysical properties (such as structural, functional, and spatial information, amino acid conservation, physicochemical variation, residue mobility, and thermodynamic stability) indicates that this missense variant is not expected to disrupt DCTN1 protein function with a negative predictive value of 80%. In summary, the available evidence is currently insufficient to determine the role of this variant in disease. Therefore, it has been classified as a Variant of Uncertain Significance.